The following is an entry in ClinVar:

ClinVar aggregate classification (germline): Uncertain significance (1 of 4 stars; one submission).

Conditions:
Epileptic encephalopathy. Identifiers: MedGen C0543888, HP:0200134.

Allele frequency attached by ClinVar (database versions not stated): gnomAD exomes 0.00001; TOPMed 0.00001; ExAC 0.00002; gnomAD 0.00002.
gnomAD v4.1: 15 of 1,611,804 alleles (0.00093%); highest among the groups gnomAD compares: African/African-American, 0.004%; no homozygotes.

Submission:

Labcorp Genetics (formerly Invitae), Labcorp
Classification: Uncertain significance for Epileptic encephalopathy. Last evaluated: 2023-12-19. Review status: criteria provided, single submitter. Criteria: Invitae Variant Classification Sherloc (09022015). Collection method: clinical testing. Allele origin: germline.
Comment: This sequence change replaces arginine, which is basic and polar, with glutamine, which is neutral and polar, at codon 2509 of the FASN protein (p.Arg2509Gln). This variant is present in population databases (rs759790350, gnomAD 0.007%). This variant has not been reported in the literature in individuals affected with FASN-related conditions. ClinVar contains an entry for this variant (Variation ID: 1052690). An algorithm developed to predict the effect of missense changes on protein structure and function (PolyPhen-2) suggests that this variant is likely to be tolerated. In summary, the available evidence is currently insufficient to determine the role of this variant in disease. Therefore, it has been classified as a Variant of Uncertain Significance.

NM_004104.5(FASN):c.7526G>A (p.Arg2509Gln)

Gene: FASN (fatty acid synthase; minus strand). Cytogenetic location: 17q25.3.
Variant type: single nucleotide variant.
Coding change: c.7526G>A on transcript NM_004104.5 (MANE Select); coding-DNA position 7526, G replaced by A.
Protein change: p.Arg2509Gln; replaces arginine 2509 with glutamine.
Molecular consequence: missense variant.
Genome position (GRCh38, 1-based): chr17:82,079,153, C>T on the plus strand (G>A on the coding strand, the complement: FASN is on the minus strand). VCF-style: chr17-82079153-C-T. GRCh37 (hg19) VCF-style: chr17-80037029-C-T.
Other names: short protein forms R2509Q.
Identifiers: ClinVar variation 1052690 (VCV001052690.9), dbSNP rs759790350, ClinGen allele CA8850971.